The following is an entry in ClinVar:

ClinVar aggregate classification (germline): Likely pathogenic. Review status: criteria provided, single submitter (1 of 4 stars). 2 submissions from 2 submitters: Likely pathogenic (1). 1 of the submissions does not count toward it. Last evaluated 2024-07-17.

Conditions:
Gaucher disease type I (GD1). Also called: GD 1; Gaucher's disease, type 1; Type 1 Gaucher Disease; ACID BETA-GLUCOSIDASE DEFICIENCY; GAUCHER DISEASE, NONCEREBRAL JUVENILE; GBA DEFICIENCY. Identifiers: Orphanet 355, Orphanet 77259, MedGen C1961835, MONDO:0009265, OMIM 230800.
Gaucher disease. Also called: Acute cerebral Gaucher disease; Cerebroside lipidosis syndrome; Gaucher splenomegaly; Sphingolipidosis 1; Glucocerebrosidosis; Glucosylceramidase deficiency. Identifiers: Orphanet 355, MedGen C0017205, MONDO:0018150.

Submissions (2):

Natera, Inc.
Classification: Likely pathogenic for Gaucher disease. Last evaluated: 2024-07-17. Review status: criteria provided, single submitter. Criteria: Natera Variant Classification Schema (03/2026). Collection method: clinical testing. Allele origin: germline.
Comment: The c.1324_1326delATT variant in GBA1 is an in-frame deletion predicted to remove isoleucine at amino acid 442 while preserving the reading frame. This variant is rare in the general population with a frequency below the threshold expected for the associated phenotype(s). This variant has been observed in one or more individuals affected with the associated recessive disease, as either homozygous or compound heterozygous with a second variant (PMID: 7059888, 18030725). This variant results in a change to the protein length while preserving reading frame, which may disrupt normal protein structure or function. Given the available evidence, this variant is classified as Likely Pathogenic.

Laboratório Nacional de Células Tronco Embrionárias, Instituto de Biociencias - Universidade de Sao Paulo
Classification: Likely pathogenic for Gaucher disease type I. Last evaluated: 2025-06-24. Review status: no assertion criteria provided. Collection method: research. Allele origin: inherited. Inheritance: Autosomal recessive inheritance. Affected: yes. Observed: 1 variant allele. Not counted in ClinVar's aggregate classification.
Comment: This is the only variant detected at the GBA locus in this allele in compound heterozigosity (in trans) with a previously described variant of Gaucher disease - genotype N409S/I442del. Mutation detected and described in Rozenberg et al., 2006 (doi:10.1016/j.bcmd.2006.09.004). Based on these data and established disease mechanisms for GBA1, we classified it as likely pathogenic.

Literature cited by the submitters: PubMed 7059888 (cited by Natera, Inc.); PubMed 18030725 (cited by Natera, Inc.); DOI 10.1016/j.bcmd.2006.09.004 (cited by Laboratório Nacional de Células Tronco Embrionárias, Instituto de Biociencias - Universidade de Sao Paulo).

NM_000157.4(GBA1):c.1324_1326del (p.Ile442del)

Genes: GBA1 (glucosylceramidase beta 1; minus strand), LOC106627981 (GBA recombination region; plus strand). Cytogenetic location: 1q22.
Variant type: Deletion.
Coding change: c.1324_1326del on transcript NM_000157.4 (MANE Select); coding-DNA positions 1324 to 1326, 3 bases deleted (ATT; older notation c.1324_1326delATT).
Protein change: p.Ile442del; deletes isoleucine 442.
Genome position (GRCh38, 1-based): chr1:155,235,743-155,235,745, AAT deleted on the plus strand (ATT on the coding strand, the reverse complement: GBA1 is on the minus strand). VCF-style (leftmost placement, unchanged base first): chr1-155235742-CAAT-C. GRCh37 (hg19) VCF-style: chr1-155205533-CAAT-C.
Other names: NP_000148.2:p.(I442del); c.1324_1326del, p.Ile442del (NM_001005741.3, NM_001005742.3); c.1063_1065del, p.Ile355del (NM_001171811.2); c.1177_1179del, p.Ile393del (NM_001171812.2); c.1324_1326delATT (NM_000157.3); short protein forms I355del, I393del, I442del.
Identifiers: ClinVar variation 4075427 (VCV004075427.2).